The following is an entry in ClinVar:

ClinVar aggregate classification (germline): Uncertain significance (1 of 4 stars; one submission).

Conditions:
Deafness-lymphedema-leukemia syndrome. Also called: Lymphedema, primary, with myelodysplasia; Emberger syndrome. Identifiers: Orphanet 3226, MedGen C3279664, MONDO:0013540, OMIM 614038.
Monocytopenia with susceptibility to infections. Also called: MONOCYTOPENIA AND MYCOBACTERIAL INFECTION SYNDROME; MONOCYTOPENIA WITH SUSCEPTIBILITY TO MYCOBACTERIAL, FUNGAL, AND PAPILLOMAVIRUS INFECTIONS AND MYELODYSPLASIA; COMBINED IMMUNODEFICIENCY WITH SUSCEPTIBILITY TO MYCOBACTERIAL, VIRAL, AND FUNGAL INFECTIONS; Dendritic cell, monocyte, B lymphocyte, and natural killer lymphocyte deficiency; IMMUNODEFICIENCY 21; GATA2 DEFICIENCY. Identifiers: Orphanet 228423, MedGen C3280030, MONDO:0013607, OMIM 614172.

Allele frequency attached by ClinVar (database versions not stated): gnomAD exomes below 0.00001.

Submission:

Labcorp Genetics (formerly Invitae), Labcorp
Classification: Uncertain significance for Monocytopenia with susceptibility to infections; Deafness-lymphedema-leukemia syndrome. Last evaluated: 2023-10-25. Review status: criteria provided, single submitter. Criteria: Invitae Variant Classification Sherloc (09022015). Collection method: clinical testing. Allele origin: germline.
Comment: This sequence change replaces threonine, which is neutral and polar, with asparagine, which is neutral and polar, at codon 279 of the GATA2 protein (p.Thr279Asn). This variant is not present in population databases (gnomAD no frequency). This variant has not been reported in the literature in individuals affected with GATA2-related conditions. Advanced modeling of protein sequence and biophysical properties (such as structural, functional, and spatial information, amino acid conservation, physicochemical variation, residue mobility, and thermodynamic stability) performed at Invitae indicates that this missense variant is not expected to disrupt GATA2 protein function with a negative predictive value of 95%. In summary, the available evidence is currently insufficient to determine the role of this variant in disease. Therefore, it has been classified as a Variant of Uncertain Significance.

NM_032638.5(GATA2):c.836C>A (p.Thr279Asn)

Gene: GATA2 (GATA binding protein 2; minus strand). Cytogenetic location: 3q21.3.
Variant type: single nucleotide variant.
Coding change: c.836C>A on transcript NM_032638.5 (MANE Select); coding-DNA position 836, C replaced by A.
Protein change: p.Thr279Asn; replaces threonine 279 with asparagine.
Molecular consequence: missense variant.
Genome position (GRCh38, 1-based): chr3:128,485,762, G>T on the plus strand (C>A on the coding strand, the complement: GATA2 is on the minus strand). VCF-style: chr3-128485762-G-T. GRCh37 (hg19) VCF-style: chr3-128204605-G-T.
Other names: c.836C>A, p.Thr279Asn (NM_001145661.2, NM_001145662.1); short protein forms T279N.
Identifiers: ClinVar variation 2953273 (VCV002953273.3), dbSNP rs1215441421, ClinGen allele CA354405169.